The following is an entry in ClinVar:

ClinVar aggregate classification (germline): Likely benign (0 of 4 stars; one submission).

Conditions:
SEMA3F-related disorder. Also called: SEMA3F-related condition.

Allele frequency attached by ClinVar (database versions not stated): TOPMed below 0.00001; gnomAD 0.00001; gnomAD exomes 0.00002; ExAC 0.00003.
gnomAD v4.1: 31 of 1,613,988 alleles (0.0019%); highest among the groups gnomAD compares: South Asian, 0.032%; no homozygotes.

Submission:

PreventionGenetics, part of Exact Sciences
Classification: Likely benign for SEMA3F-related condition. Last evaluated: 2023-12-18. Review status: no assertion criteria provided. Collection method: clinical testing. Allele origin: germline.
Comment: This variant is classified as likely benign based on ACMG/AMP sequence variant interpretation guidelines (Richards et al. 2015 PMID: 25741868, with internal and published modifications).

NM_004186.5(SEMA3F):c.267C>T (p.Pro89=)

Gene: SEMA3F (semaphorin 3F; plus strand). Cytogenetic location: 3p21.31.
Variant type: single nucleotide variant.
Coding change: c.267C>T on transcript NM_004186.5 (MANE Select); coding-DNA position 267, C replaced by T.
Protein change: p.Pro89=; no amino-acid change (proline 89 retained).
Molecular consequence: synonymous variant.
Genome position (GRCh38, 1-based): chr3:50,173,947, C>T. VCF-style: chr3-50173947-C-T. GRCh37 (hg19) VCF-style: chr3-50211380-C-T.
Other names: c.63C>T, p.Pro21= (NM_001318798.2); c.267C>T, p.Pro89= (NM_001318800.2).
Identifiers: ClinVar variation 3032958 (VCV003032958.2), dbSNP rs759918248, ClinGen allele CA2411677.